The following is an entry in ClinVar:

NM_015294.6(TRIM37):c.1264T>C (p.Leu422=)

Gene: TRIM37 (tripartite motif containing 37; minus strand). Cytogenetic location: 17q22.
Variant type: single nucleotide variant.
Coding change: c.1264T>C on transcript NM_015294.6 (MANE Select); coding-DNA position 1264, T replaced by C.
Protein change: p.Leu422=; no amino-acid change (leucine 422 retained).
Molecular consequence: synonymous variant. On other transcripts: non-coding transcript variant (2).
Genome position (GRCh38, 1-based): chr17:59,051,264, A>G on the plus strand (T>C on the coding strand, the complement: TRIM37 is on the minus strand). VCF-style: chr17-59051264-A-G. GRCh37 (hg19) VCF-style: chr17-57128625-A-G.
Other names: p.Leu422=; c.1264T>C, p.Leu422= (NM_001005207.5, NM_001320988.3, NM_001320989.3 and 1 more transcripts); c.1162T>C, p.Leu388= (NM_001320987.3, NM_001353082.2); c.898T>C, p.Leu300= (NM_001320990.3); c.529T>C, p.Leu177= (NM_001353083.2); c.802T>C, p.Leu268= (NM_001353085.2); c.1213T>C, p.Leu405= (NM_001353086.2).
Identifiers: ClinVar variation 324200 (VCV000324200.18), dbSNP rs74586224, ClinGen allele CA8678345.

ClinVar aggregate classification (germline): Benign/Likely benign. Review status: criteria provided, multiple submitters, no conflicts (2 of 4 stars). 6 submissions from 6 submitters: Benign (3); Likely benign (3). Last evaluated 2026-01-28.

Conditions:
Mulibrey nanism syndrome. Also called: MUSCLE-LIVER-BRAIN-EYE NANISM; PERHEENTUPA SYNDROME; PERICARDIAL CONSTRICTION AND GROWTH FAILURE. Identifiers: Orphanet 2576, MedGen C0524582, MONDO:0009664, OMIM 253250.

Allele frequency attached by ClinVar (database versions not stated): TOPMed 0.01057; gnomAD 0.01133 and 0.01207; 1000 Genomes Project 30x 0.01171; ESP Exome Variant Server 0.01192; 1000 Genomes Project 0.01258; gnomAD exomes 0.01461 and 0.01688; ExAC 0.01664.
gnomAD v4.1: 23,311 of 1,613,904 alleles (1.4%); highest among the groups gnomAD compares: Middle Eastern, 5.5%; 295 homozygotes.

Submissions (6):

Labcorp Genetics (formerly Invitae), Labcorp
Classification: Benign. Last evaluated: 2026-01-28. Review status: criteria provided, single submitter. Criteria: Invitae Variant Classification Sherloc (09022015). Collection method: clinical testing. Allele origin: germline.

Blueprint Genetics
Classification: Likely benign. Last evaluated: 2024-11-27. Review status: criteria provided, single submitter. Criteria: ACMG Guidelines, 2015. Collection method: clinical testing. Allele origin: germline.

GeneDx
Classification: Likely benign. Last evaluated: 2019-03-10. Review status: criteria provided, single submitter. Criteria: GeneDx Variant Classification Process June 2021. Collection method: clinical testing. Allele origin: germline. Affected: yes.

Mayo Clinic Laboratories, Mayo Clinic
Classification: Benign. Last evaluated: 2018-10-30. Review status: criteria provided, single submitter. Criteria: ACMG Guidelines, 2015. Collection method: clinical testing. Allele origin: germline. Observed: 13 variant alleles.

Illumina Laboratory Services, Illumina
Classification: Benign for Mulibrey nanism syndrome. Last evaluated: 2018-01-12. Review status: criteria provided, single submitter. Criteria: ICSL Variant Classification Criteria 13 December 2019. Collection method: clinical testing. Allele origin: germline.
Comment: This variant was observed in the ICSL laboratory as part of a predisposition screen in an ostensibly healthy population. It had not been previously curated by ICSL or reported in the Human Gene Mutation Database (HGMD: prior to June 1st, 2018), and was therefore a candidate for classification through an automated scoring system. Utilizing variant allele frequency, disease prevalence and penetrance estimates, and inheritance mode, an automated score was calculated to assess if this variant is too frequent to cause the disease. Based on the score and internal cut-off values, a variant classified as benign is not then subjected to further curation. The score for this variant resulted in a classification of benign for this disease.

Breakthrough Genomics
Classification: Likely benign. Review status: criteria provided, single submitter. Criteria: ACMG Guidelines, 2015. Collection method: not provided. Allele origin: germline. Inheritance: Autosomal recessive inheritance. Affected: yes.